The following is an entry in ClinVar:

NM_002968.3(SALL1):c.3414_3415del (p.Cys1139fs)

Gene: SALL1 (spalt like transcription factor 1; minus strand). Cytogenetic location: 16q12.1.
Variant type: Deletion.
Coding change: c.3414_3415del on transcript NM_002968.3 (MANE Select); coding-DNA positions 3414 to 3415, 2 bases deleted (AT; older notation c.3414_3415delAT).
Protein change: p.Cys1139fs; shifts the reading frame from cysteine 1139.
Molecular consequence: frameshift variant.
Genome position (GRCh38, 1-based): chr16:51,138,807-51,138,808, AT deleted on the plus strand (AT on the coding strand, the reverse complement: SALL1 is on the minus strand). VCF-style (leftmost placement, unchanged base first): chr16-51138806-CAT-C. GRCh37 (hg19) VCF-style: chr16-51172717-CAT-C.
Other names: c.3123_3124del, p.Cys1042fs (NM_001127892.2); c.3414_3415delAT (NM_002968.2); c.3414_3415del (NM_002968.2); short protein forms C1042fs, C1139fs.
Identifiers: ClinVar variation 418466 (VCV000418466.22), dbSNP rs1064793257, ClinGen allele CA16620210.

ClinVar aggregate classification (germline): Pathogenic. Review status: criteria provided, multiple submitters, no conflicts (2 of 4 stars). 9 submissions from 9 submitters: Pathogenic (7). 2 of the submissions do not count toward it. Last evaluated 2025-11-17.

Conditions:
Townes syndrome (TBS). Also called: Townes-Brocks syndrome. Identifiers: Orphanet 857, MedGen C0265246, MeSH C536974, MONDO:0007142.
SALL1-related disorder. Also called: SALL1-related condition.
Inborn genetic diseases. Identifiers: MedGen C0950123, MeSH D030342.
Townes-Brocks syndrome 1 (TBS1). Also called: SALL1-Related Townes-Brocks Syndrome; DEAFNESS, SENSORINEURAL, WITH IMPERFORATE ANUS AND THUMB ANOMALIES; REAR SYNDROME; RENAL-EAR-ANAL-RADIAL SYNDROME. Identifiers: Orphanet 857, MedGen C4551481, MONDO:0054581, OMIM 107480.

Allele frequency attached by ClinVar (database versions not stated): gnomAD 0.00001; TOPMed 0.00001; gnomAD exomes below 0.00001.

Submissions (9):

Victorian Clinical Genetics Services, Murdoch Childrens Research Institute
Classification: Pathogenic for Townes-Brocks syndrome 1. Last evaluated: 2025-11-17. Review status: criteria provided, single submitter. Criteria: ACMG Guidelines, 2015. Collection method: clinical testing. Allele origin: germline. Affected: yes.
Comment: This variant is classified as Pathogenic. Evidence in support of pathogenic classification: Variant is predicted to result in a truncated protein (premature termination codon is NOT located at least 54 nucleotides upstream of the final exon-exon junction) with less than 1/3 of the protein sequence affected. If present, a common polymorphism, c.3456C>T, results in the introduction of a premature termination codon earlier in the protein sequence, p.(Cys1139Trpfs*14). This consequence has been shown to cause nonsense-mediated decay (NMD) (PMID: 18000979). This polymorphism is not present in 25W004071; Variant is present in gnomAD <0.001 for a dominant condition (v4: 3 heterozygote(s), 0 homozygote(s)); This variant has strong previous evidence of pathogenicity in unrelated individuals. This variant has been classified as pathogenic by clinical laboratories in ClinVar, and reported in the literature in individuals with Townes-Brocks syndrome (PMIDs: 23894113, 17221874, 19429598). Additional information: This variant is heterozygous; This gene is associated with autosomal dominant disease; Loss of function is a known mechanism of disease in this gene and is associated with Townes-Brocks syndrome 1 (MIM#107480) and Townes-Brocks branchiootorenal-like syndrome (MIM#107480). NMD escape has been demonstrated for a single PTC in the 5' end of exon 2, where dominant negative or gain of function is a suggested mechanism (PMID: 20301618); Variants in this gene are known to have variable expressivity. Pathogenic variants within the 5' end exon 2 hot spot region appear to be associated with a more severe outcome than pathogenic variants towards the 3' end in exon 2 (PMID: 20301618); Inheritance information for this variant is not currently available in this individual.

GeneDx
Classification: Pathogenic. Last evaluated: 2025-09-20. Review status: criteria provided, single submitter. Criteria: GeneDx Variant Classification Process June 2021. Collection method: clinical testing. Allele origin: germline. Affected: yes.
Comment: Frameshift variant predicted to result in abnormal protein length as the last 186 amino acid(s) are replaced with 34 different amino acid(s), and other similar variants have been reported in HGMD; Published functional studies demonstrate reduced levels of cDNA in fibroblasts as compared to wild type but similar levels when treated with an inhibitor of nonsense-mediated mRNA decay (NMD), suggesting that the variant transcript undergoes NMD (PMID: 18000979); This variant is associated with the following publications: (PMID: 23894113, 16971658, 18000979, 17221874, 19429598, 23069192)

Ambry Genetics
Classification: Pathogenic for Inborn genetic diseases. Last evaluated: 2025-03-07. Review status: criteria provided, single submitter. Criteria: Ambry Variant Classification Scheme 2023. Collection method: clinical testing. Allele origin: germline.
Comment: The c.3414_3415delAT (p.C1139Wfs*35) alteration, located in exon 2 (coding exon 2) of the SALL1 gene, consists of a deletion of 2 nucleotides from position 3414 to 3415, causing a translational frameshift with a predicted alternate stop codon after 35 amino acids. This variant is not expected to trigger nonsense-mediated mRNA decay, and impacts the last 14% of the protein. However, premature stop codons are typically deleterious in nature and a significant portion of the protein is affected (Ambry internal data). This variant was not reported in population-based cohorts in the Genome Aggregation Database (gnomAD). This variant has been reported in multiple unrelated individuals with features consistent with SALL1-related Townes-Brocks syndrome (Weber, 2006; Furniss, 2007) and segregated with disease in at least one family (Botzenhart, 2007; Lawrence, 2013). Based on the available evidence, this alteration is classified as pathogenic.

Institute of Immunology and Genetics Kaiserslautern
Classification: Pathogenic for Townes-Brocks syndrome 1. Last evaluated: 2022-12-02. Review status: criteria provided, single submitter. Criteria: ACMG Guidelines, 2015. Collection method: clinical testing. Allele origin: germline. Affected: yes.
Comment: ACMG Criteria: PM2, PVS1, PP5; Variant was found in heterozygous state.

Labcorp Genetics (formerly Invitae), Labcorp
Classification: Pathogenic for Townes syndrome. Last evaluated: 2022-07-17. Review status: criteria provided, single submitter. Criteria: Invitae Variant Classification Sherloc (09022015). Collection method: clinical testing. Allele origin: germline.
Comment: For these reasons, this variant has been classified as Pathogenic. ClinVar contains an entry for this variant (Variation ID: 418466). This premature translational stop signal has been observed in individual(s) with renal hypoplasia, congenital limb malformation, and Townes-Brocks syndrome (PMID: 16971658, 17221874, 18000979, 19429598, 23894113). It has also been observed to segregate with disease in related individuals. This sequence change creates a premature translational stop signal (p.Cys1139Trpfs*35) in the SALL1 gene. While this is not anticipated to result in nonsense mediated decay, it is expected to disrupt the last 186 amino acid(s) of the SALL1 protein. This variant is not present in population databases (gnomAD no frequency).

Fulgent Genetics
Classification: Pathogenic for Townes-Brocks syndrome 1. Last evaluated: 2021-10-15. Review status: criteria provided, single submitter. Criteria: ACMG Guidelines, 2015. Collection method: clinical testing. Allele origin: unknown.

Revvity Omics, Revvity
Classification: Pathogenic for Townes-Brocks syndrome 1. Last evaluated: 2021-05-05. Review status: criteria provided, single submitter. Criteria: ACMG Guidelines, 2015. Collection method: clinical testing. Allele origin: germline.

PreventionGenetics, part of Exact Sciences
Classification: Pathogenic for SALL1-related condition. Last evaluated: 2024-04-15. Review status: no assertion criteria provided. Collection method: clinical testing. Allele origin: germline. Not counted in ClinVar's aggregate classification.
Comment: The SALL1 c.3414_3415delAT variant is predicted to result in a frameshift and premature protein termination (p.Cys1139Trpfs*35). This variant has previously been reported to be causative for renal hypodysplasia and Townes-Brocks Syndrome (Weber et al. 2006. PubMed: 16971658; Lawrence et al. 2013. PubMed: 23894113). This variant has not been reported in a large population database, indicating this variant is rare. This variant has been interpreted by multiple laboratories in ClinVar as pathogenic (ClinVar ID 418466). Frameshift variants in SALL1 are expected to be pathogenic. This variant is interpreted as pathogenic.

OMIM
Classification: Pathogenic for TOWNES-BROCKS SYNDROME. Last evaluated: 2007-12-15. Review status: no assertion criteria provided. Collection method: literature only. Allele origin: germline. Not counted in ClinVar's aggregate classification.

Literature cited by the submitters: PubMed 19429598 (cited by Victorian Clinical Genetics Services, Murdoch Childrens Research Institute and Labcorp Genetics (formerly Invitae), Labcorp); PubMed 17221874 (cited by 3 submitters); PubMed 20301618 (cited by Victorian Clinical Genetics Services, Murdoch Childrens Research Institute); PubMed 23894113 (cited by 3 submitters); PubMed 18000979 (cited by 4 submitters); PubMed 16971658 (cited by Ambry Genetics and Labcorp Genetics (formerly Invitae), Labcorp).